The following is an entry in ClinVar:

NM_001036.6(RYR3):c.11263C>T (p.Arg3755Trp)

Gene: RYR3 (ryanodine receptor 3; plus strand). Cytogenetic location: 15q14.
Variant type: single nucleotide variant.
Coding change: c.11263C>T on transcript NM_001036.6 (MANE Select); coding-DNA position 11263, C replaced by T.
Protein change: p.Arg3755Trp; replaces arginine 3755 with tryptophan.
Molecular consequence: missense variant.
Genome position (GRCh38, 1-based): chr15:33,827,216, C>T. VCF-style: chr15-33827216-C-T. GRCh37 (hg19) VCF-style: chr15-34119417-C-T.
Other names: c.11263C>T (NM_001036.3); c.11248C>T, p.Arg3750Trp (NM_001243996.4); short protein forms R3750W, R3755W.
Identifiers: ClinVar variation 2895375 (VCV002895375.4), dbSNP rs1307336838, ClinGen allele CA391589289.

ClinVar aggregate classification (germline): Uncertain significance. Review status: criteria provided, multiple submitters, no conflicts (2 of 4 stars). 2 submissions from 2 submitters: Uncertain significance (2). Last evaluated 2024-10-22.

Conditions:
Epileptic encephalopathy. Identifiers: MedGen C0543888, HP:0200134.

Allele frequency attached by ClinVar (database versions not stated): gnomAD 0.00001; TOPMed 0.00001.
gnomAD v4.1: 4 of 1,551,788 alleles (0.00026%); highest among the groups gnomAD compares: African/African-American, 0.0014%; no homozygotes.

Submissions (2):

Ambry Genetics
Classification: Uncertain significance. Last evaluated: 2024-10-22. Review status: criteria provided, single submitter. Criteria: Ambry Variant Classification Scheme 2023. Collection method: clinical testing. Allele origin: germline.

Labcorp Genetics (formerly Invitae), Labcorp
Classification: Uncertain significance for Epileptic encephalopathy. Last evaluated: 2022-12-20. Review status: criteria provided, single submitter. Criteria: Invitae Variant Classification Sherloc (09022015). Collection method: clinical testing. Allele origin: germline.
Comment: Advanced modeling of protein sequence and biophysical properties (such as structural, functional, and spatial information, amino acid conservation, physicochemical variation, residue mobility, and thermodynamic stability) has been performed at Invitae for this missense variant, however the output from this modeling did not meet the statistical confidence thresholds required to predict the impact of this variant on RYR3 protein function. In summary, the available evidence is currently insufficient to determine the role of this variant in disease. Therefore, it has been classified as a Variant of Uncertain Significance. This variant has not been reported in the literature in individuals affected with RYR3-related conditions. This sequence change replaces arginine, which is basic and polar, with tryptophan, which is neutral and slightly polar, at codon 3755 of the RYR3 protein (p.Arg3755Trp). This variant is not present in population databases (gnomAD no frequency).